The following is an entry in ClinVar:

ClinVar aggregate classification (germline): Likely benign. Review status: reviewed by expert panel (3 of 4 stars). 7 submissions from 7 submitters: Likely benign (1). 6 of the submissions do not count toward it. Last evaluated 2020-01-26.

Conditions:
PAH-related disorder. Also called: PAH-related condition.
Inborn genetic diseases. Identifiers: MedGen C0950123, MeSH D030342.
Phenylketonuria (PKU). Also called: Phenylketonurias; Phenylketonuria (PKU); OLIGOPHRENIA PHENYLPYRUVICA; FOLLING DISEASE. Identifiers: Orphanet 716, MedGen C0031485, MONDO:0009861, OMIM 261600. Disease mechanism: loss of function.

Allele frequency attached by ClinVar (database versions not stated): gnomAD exomes 0.00017; 1000 Genomes Project 30x 0.00094; gnomAD 0.00013 and 0.00008; ExAC 0.00028; 1000 Genomes Project 0.00100; TOPMed 0.00014.
gnomAD v4.1: 140 of 1,614,016 alleles (0.0087%); highest among the groups gnomAD compares: East Asian, 0.16%; no homozygotes.

Submissions (7):

ClinGen PAH Variant Curation Expert Panel
Classification: Likely benign for Phenylketonuria. Last evaluated: 2020-01-26. Review status: reviewed by expert panel. Criteria: ClinGen PAH ACMG Specifications v1. Collection method: curation. Allele origin: germline. Inheritance: Autosomal recessive inheritance.
Comment: The c.837C>T (p.Pro279=) variant in PAH has a MAF of 0.00201 in gnomAD (BS1). This is a synonymous variant, predicted tolerated and benign in SIFT, Polyphen. MutationTaster predicted polymorphism with no abrogation of splice sites (BP7). In summary, this variant meets criteria to be classified as likely benign.

Labcorp Genetics (formerly Invitae), Labcorp
Classification: Benign for Phenylketonuria. Last evaluated: 2025-12-22. Review status: criteria provided, single submitter. Criteria: Invitae Variant Classification Sherloc (09022015). Collection method: clinical testing. Allele origin: germline. Not counted in ClinVar's aggregate classification.

Ambry Genetics
Classification: Likely benign for Inborn genetic diseases. Last evaluated: 2024-01-02. Review status: criteria provided, single submitter. Criteria: Ambry Variant Classification Scheme 2023. Collection method: clinical testing. Allele origin: germline. Not counted in ClinVar's aggregate classification.

Blueprint Genetics
Classification: Likely benign. Last evaluated: 2023-05-05. Review status: criteria provided, single submitter. Criteria: ACMG Guidelines, 2015. Collection method: clinical testing. Allele origin: germline. Not counted in ClinVar's aggregate classification.

GeneDx
Classification: Likely benign. Last evaluated: 2018-03-05. Review status: criteria provided, single submitter. Criteria: GeneDx Variant Classification (06012015). Collection method: clinical testing. Allele origin: germline. Affected: yes. Not counted in ClinVar's aggregate classification.
Comment: This variant is considered likely benign or benign based on one or more of the following criteria: it is a conservative change, it occurs at a poorly conserved position in the protein, it is predicted to be benign by multiple in silico algorithms, and/or has population frequency not consistent with disease.

Breakthrough Genomics
Classification: Likely benign. Review status: criteria provided, single submitter. Criteria: ACMG Guidelines, 2015. Collection method: not provided. Allele origin: germline. Inheritance: Autosomal recessive inheritance. Affected: yes. Not counted in ClinVar's aggregate classification.

PreventionGenetics, part of Exact Sciences
Classification: Likely benign for PAH-related condition. Last evaluated: 2019-04-01. Review status: no assertion criteria provided. Collection method: clinical testing. Allele origin: germline. Not counted in ClinVar's aggregate classification.
Comment: This variant is classified as likely benign based on ACMG/AMP sequence variant interpretation guidelines (Richards et al. 2015 PMID: 25741868, with internal and published modifications).

NM_000277.3(PAH):c.837C>T (p.Pro279=)

Gene: PAH (phenylalanine hydroxylase; minus strand). Cytogenetic location: 12q23.2.
Variant type: single nucleotide variant.
Coding change: c.837C>T on transcript NM_000277.3 (MANE Select); coding-DNA position 837, C replaced by T.
Protein change: p.Pro279=; no amino-acid change (proline 279 retained).
Molecular consequence: synonymous variant.
Genome position (GRCh38, 1-based): chr12:102,852,820, G>A on the plus strand (C>T on the coding strand, the complement: PAH is on the minus strand). VCF-style: chr12-102852820-G-A. GRCh37 (hg19) VCF-style: chr12-103246598-G-A.
Other names: c.837C>T, p.Pro279= (NM_001354304.2).
Identifiers: ClinVar variation 516006 (VCV000516006.18), dbSNP rs138355741, ClinGen allele CA6748836.
Genomic context (GRCh38, chr12:102,852,820, plus strand): 5'-GGAAAAGATGGCGCTCATTGTGCCTGGCAACTGGTAGCTGGAGGACAGTACTCACGGTTC[G>A]GGGGTATACATGGGCTTGGATCCATGTCTGATGTACTGTGTGCAGTGGAAGACTCGGAAG-3'
Protein context (NP_000268.1, residues 269-289): IRHGSKPMYT[Pro279=]EPDICHELLG